The following is an entry in ClinVar:

NM_002227.4(JAK1):c.365A>G (p.Asn122Ser)

Gene: JAK1 (Janus kinase 1; minus strand). Cytogenetic location: 1p31.3.
Variant type: single nucleotide variant.
Coding change: c.365A>G on transcript NM_002227.4 (MANE Select); coding-DNA position 365, A replaced by G.
Protein change: p.Asn122Ser; replaces asparagine 122 with serine.
Molecular consequence: missense variant.
Genome position (GRCh38, 1-based): chr1:64,873,488, T>C on the plus strand (A>G on the coding strand, the complement: JAK1 is on the minus strand). VCF-style: chr1-64873488-T-C. GRCh37 (hg19) VCF-style: chr1-65339171-T-C.
Other names: c.365A>G, p.Asn122Ser (NM_001320923.2, NM_001321852.2, NM_001321853.2 and 4 more transcripts); short protein forms N122S.
Identifiers: ClinVar variation 3706725 (VCV003706725.2).

ClinVar aggregate classification (germline): Uncertain significance (1 of 4 stars; one submission).

gnomAD v4.1: 8 of 1,614,188 alleles (0.0005%); highest among the groups gnomAD compares: African/African-American, 0.004%; no homozygotes.

Submission:

Labcorp Genetics (formerly Invitae), Labcorp
Classification: Uncertain significance. Last evaluated: 2026-01-05. Review status: criteria provided, single submitter. Criteria: Invitae Variant Classification Sherloc (09022015). Collection method: clinical testing. Allele origin: germline.
Comment: This sequence change replaces asparagine, which is neutral and polar, with serine, which is neutral and polar, at codon 122 of the JAK1 protein (p.Asn122Ser). This variant is present in population databases (rs199914339, gnomAD 0.008%). This variant has not been reported in the literature in individuals affected with JAK1-related conditions. ClinVar contains an entry for this variant (Variation ID: 3706725). Invitae Evidence Modeling of protein sequence and biophysical properties (such as structural, functional, and spatial information, amino acid conservation, physicochemical variation, residue mobility, and thermodynamic stability) indicates that this missense variant is not expected to disrupt JAK1 protein function with a negative predictive value of 80%. In summary, the available evidence is currently insufficient to determine the role of this variant in disease. Therefore, it has been classified as a Variant of Uncertain Significance.